The following is an entry in ClinVar:

ClinVar aggregate classification (germline): Uncertain significance. Review status: criteria provided, multiple submitters, no conflicts (2 of 4 stars). 2 submissions from 2 submitters: Uncertain significance (2). Last evaluated 2025-07-25.

Conditions:
Gastrointestinal stromal tumor. Also called: Gastrointestinal stromal tumor, somatic; Gastrointestinal stroma tumor. Identifiers: Orphanet 44890, MedGen C0238198, MeSH D046152, MONDO:0011719, OMIM 606764, HP:0100723.
Pheochromocytoma/paraganglioma syndrome 3. Also called: GLOMUS TUMORS, FAMILIAL, 3; SDHC-Related Hereditary Paraganglioma-Pheochromocytoma Syndrome; Paragangliomas 3; SDHC-Related Hereditary Paraganglioma-Pheochromocytoma Syndrome (Paragangliomas 3). Identifiers: Orphanet 29072, MedGen C1854336, MONDO:0011544, OMIM 605373.
Hereditary cancer-predisposing syndrome. Also called: Hereditary neoplastic syndrome; Neoplastic Syndromes, Hereditary; Hereditary Cancer Syndrome; Tumor predisposition. Identifiers: Orphanet 140162, MedGen C0027672, MeSH D009386, MONDO:0015356.

Allele frequency attached by ClinVar (database versions not stated): TOPMed below 0.00001.

Submissions (2):

Ambry Genetics
Classification: Uncertain significance for Hereditary cancer-predisposing syndrome. Last evaluated: 2025-07-25. Review status: criteria provided, single submitter. Criteria: Ambry Variant Classification Scheme 2023. Collection method: clinical testing. Allele origin: germline.
Comment: The p.A168T variant (also known as c.502G>A), located in coding exon 6 of the SDHC gene, results from a G to A substitution at nucleotide position 502. The alanine at codon 168 is replaced by threonine, an amino acid with similar properties. This amino acid position is conserved. In addition, this alteration is predicted to be deleterious by in silico analysis. Since supporting evidence is limited at this time, the clinical significance of this alteration remains unclear.

Labcorp Genetics (formerly Invitae), Labcorp
Classification: Uncertain significance for Pheochromocytoma/paraganglioma syndrome 3; Gastrointestinal stromal tumor. Last evaluated: 2024-08-31. Review status: criteria provided, single submitter. Criteria: Invitae Variant Classification Sherloc (09022015). Collection method: clinical testing. Allele origin: germline.
Comment: This sequence change replaces alanine, which is neutral and non-polar, with threonine, which is neutral and polar, at codon 168 of the SDHC protein (p.Ala168Thr). This variant is not present in population databases (gnomAD no frequency). This variant has not been reported in the literature in individuals affected with SDHC-related conditions. ClinVar contains an entry for this variant (Variation ID: 952881). An algorithm developed to predict the effect of missense changes on protein structure and function (PolyPhen-2) suggests that this variant is likely to be disruptive. In summary, the available evidence is currently insufficient to determine the role of this variant in disease. Therefore, it has been classified as a Variant of Uncertain Significance.

NM_003001.5(SDHC):c.502G>A (p.Ala168Thr)

Gene: SDHC (succinate dehydrogenase complex subunit C; plus strand). Cytogenetic location: 1q23.3.
Variant type: single nucleotide variant.
Coding change: c.502G>A on transcript NM_003001.5 (MANE Select); coding-DNA position 502, G replaced by A.
Protein change: p.Ala168Thr; replaces alanine 168 with threonine.
Molecular consequence: missense variant.
Genome position (GRCh38, 1-based): chr1:161,362,425, G>A. VCF-style: chr1-161362425-G-A. GRCh37 (hg19) VCF-style: chr1-161332215-G-A.
Other names: c.338G>A, p.Ser113Asn (NM_001035511.3); c.400G>A, p.Ala134Thr (NM_001035512.3); c.343G>A, p.Ala115Thr (NM_001035513.3); c.236G>A, p.Ser79Asn (NM_001278172.3); c.622G>A, p.Ala208Thr (NM_001407115.1); c.445G>A, p.Ala149Thr (NM_001407116.1); c.439G>A, p.Ala147Thr (NM_001407117.1); c.394G>A, p.Ala132Thr (NM_001407118.1); and 2 more; short protein forms A168T, S79N, A115T, S113N, A134T, A147T, A208T, A131T.
Identifiers: ClinVar variation 952881 (VCV000952881.11), dbSNP rs1672554961, ClinGen allele CA343457989.